The following is an entry in ClinVar:

NM_001399.5(EDA):c.148T>G (p.Ser50Ala)

Gene: EDA (ectodysplasin A; plus strand). Cytogenetic location: Xq13.1.
Variant type: single nucleotide variant.
Coding change: c.148T>G on transcript NM_001399.5 (MANE Select); coding-DNA position 148, T replaced by G.
Protein change: p.Ser50Ala; replaces serine 50 with alanine.
Molecular consequence: missense variant.
Genome position (GRCh38, 1-based): chrX:69,616,456, T>G. VCF-style: chrX-69616456-T-G. GRCh37 (hg19) VCF-style: chrX-68836300-T-G.
Other names: c.148T>G, p.Ser50Ala (NM_001005609.2, NM_001005610.4, NM_001005612.3 and 1 more transcripts); short protein forms S50A.
Identifiers: ClinVar variation 967628 (VCV000967628.1), dbSNP rs1931939988, ClinGen allele CA413447177.
Genomic context (GRCh38, chrX:69,616,456, plus strand): 5'-GCCCCTGCCCGGGCGGGCGAAGGGAACAGCTGCCTGCTCTTCCTGGGTTTCTTTGGCCTC[T>G]CGCTGGCCCTCCACCTGCTGACGTTGTGCTGCTACCTAGAGTTGCGCTCGGAGTTGCGGC-3'
Protein context (NP_001390.1, residues 40-60): CLLFLGFFGL[Ser50Ala]LALHLLTLCC

ClinVar aggregate classification (germline): Uncertain significance (1 of 4 stars; one submission).

Conditions:
Hypohidrotic X-linked ectodermal dysplasia (XHED). Also called: Christ-Siemans-Touraine syndrome; ECTODERMAL DYSPLASIA 1, HYPOHIDROTIC/HAIR/TOOTH TYPE, X-LINKED; ECTODERMAL DYSPLASIA, HYPOHIDROTIC, 1; CST SYNDROME; ECTODERMAL DYSPLASIA 1; Anhidrotic ectodermal dysplasia X-linked. Identifiers: Orphanet 181, Orphanet 238468, MedGen C0162359, MONDO:0010585, OMIM 305100.

Submission:

Labcorp Genetics (formerly Invitae), Labcorp
Classification: Uncertain significance for Hypohidrotic X-linked ectodermal dysplasia. Last evaluated: 2019-09-28. Review status: criteria provided, single submitter. Criteria: Invitae Variant Classification Sherloc (09022015). Collection method: clinical testing. Allele origin: germline.
Comment: This sequence change replaces serine with alanine at codon 50 of the EDA protein (p.Ser50Ala). The serine residue is moderately conserved and there is a moderate physicochemical difference between serine and alanine. This variant is not present in population databases (ExAC no frequency). This variant has not been reported in the literature in individuals with EDA-related conditions. Algorithms developed to predict the effect of missense changes on protein structure and function are either unavailable or do not agree on the potential impact of this missense change (SIFT: "Deleterious"; PolyPhen-2: "Benign"; Align-GVGD: "Class C0"). In summary, the available evidence is currently insufficient to determine the role of this variant in disease. Therefore, it has been classified as a Variant of Uncertain Significance.